The following is an entry in ClinVar:

NM_000488.4(SERPINC1):c.670A>T (p.Asn224Tyr)

Gene: SERPINC1 (serpin family C member 1; minus strand). Cytogenetic location: 1q25.1.
Variant type: single nucleotide variant.
Coding change: c.670A>T on transcript NM_000488.4 (MANE Select); coding-DNA position 670, A replaced by T.
Protein change: p.Asn224Tyr; replaces asparagine 224 with tyrosine.
Molecular consequence: missense variant.
Genome position (GRCh38, 1-based): chr1:173,910,846, T>A on the plus strand (A>T on the coding strand, the complement: SERPINC1 is on the minus strand). VCF-style: chr1-173910846-T-A. GRCh37 (hg19) VCF-style: chr1-173879984-T-A.
Other names: c.526A>T, p.Asn176Tyr (NM_001365052.2); c.670A>T, p.Asn224Tyr (NM_001386302.1, NM_001386304.1, NM_001386305.1); c.751A>T, p.Asn251Tyr (NM_001386303.1); c.454A>T, p.Asn152Tyr (NM_001386306.1); short protein forms N224Y, N176Y, N152Y, N251Y.
Identifiers: ClinVar variation 827668 (VCV000827668.2), dbSNP rs146733468, ClinGen allele CA343775616.
Genomic context (GRCh38, chr1:173,910,846, plus strand): 5'-CAGTGAGCTCATTGATGGCTTCCGAGGGAATGACATCGGTGATTCGGCCTTCGGTCTTAT[T>A]GGACACCCATTTGTTGATGGCCGCTCTGGATTGCTCTGCATTTTCCTGAGGAGAACAGAA-3'
Protein context (NP_000479.1, residues 214-234): SRAAINKWVS[Asn224Tyr]KTEGRITDVI

ClinVar aggregate classification (germline): Uncertain significance (1 of 4 stars; one submission).

Submission:

MVZ Dr. Eberhard & Partner Dortmund
Classification: Uncertain significance. Last evaluated: 2019-09-18. Review status: criteria provided, single submitter. Criteria: ACMG Guidelines, 2015. Collection method: clinical testing. Allele origin: unknown. Observed: 1 heterozygote.
Comment: c.670A>Tfor p.(Asn224Tyr) is absent from controls like ESP, 1000 genomes or gnomAD. Multiple lines of computational evidence support a deleterious effect of this variant (SIFT: not tolerated; Mutation Taster: diesease causing; Polyphen: HumDiv and HumVar: probably damaging, large physicochemical difference between Asn and Tyr, Grantham dist.: 143 [0-215]). Asn224 is a highly conserverd amino acid and one of four N-glycosylation sites of the antithrombin molecule (Ãguila et al., Throm Haemost 12(7):1131-40, 2014 and Kumar et al., Biochem Biophys Res Commun 440(4):714-724, 2013). In silico analyses give no hint that this variant affects splicing.

Literature cited by the submitters: PubMed 24121110; PubMed 24824609.